The following is an entry in ClinVar:

ClinVar aggregate classification (germline): Uncertain significance (1 of 4 stars; one submission).

Conditions:
Glycogen storage disease, type VI (GSD6). Also called: HERS DISEASE; PHOSPHORYLASE DEFICIENCY GLYCOGEN-STORAGE DISEASE OF LIVER; Glycogen storage disease type 6; Hepatic glycogen phosphorylase deficiency; Glycogen storage disease type 6, due to phosphorylation; GSD VI. Identifiers: Orphanet 369, MedGen C0017925, MONDO:0009294, OMIM 232700.

Submission:

Labcorp Genetics (formerly Invitae), Labcorp
Classification: Uncertain significance for Glycogen storage disease, type VI. Last evaluated: 2020-11-16. Review status: criteria provided, single submitter. Criteria: Invitae Variant Classification Sherloc (09022015). Collection method: clinical testing. Allele origin: germline.
Comment: This sequence change replaces glycine with arginine at codon 289 of the PYGL protein (p.Gly289Arg). The glycine residue is highly conserved and there is a moderate physicochemical difference between glycine and arginine. In summary, the available evidence is currently insufficient to determine the role of this variant in disease. Therefore, it has been classified as a Variant of Uncertain Significance. Advanced modeling of protein sequence and biophysical properties (such as structural, functional, and spatial information, amino acid conservation, physicochemical variation, residue mobility, and thermodynamic stability) performed at Invitae indicates that this missense variant is expected to disrupt PYGL protein function. This variant has not been reported in the literature in individuals with PYGL-related conditions. This variant is not present in population databases (ExAC no frequency).

NM_002863.5(PYGL):c.865G>A (p.Gly289Arg)

Gene: PYGL (glycogen phosphorylase L; minus strand). Cytogenetic location: 14q22.1.
Variant type: single nucleotide variant.
Coding change: c.865G>A on transcript NM_002863.5 (MANE Select); coding-DNA position 865, G replaced by A.
Protein change: p.Gly289Arg; replaces glycine 289 with arginine.
Molecular consequence: missense variant.
Genome position (GRCh38, 1-based): chr14:50,917,096, C>T on the plus strand (G>A on the coding strand, the complement: PYGL is on the minus strand). VCF-style: chr14-50917096-C-T. GRCh37 (hg19) VCF-style: chr14-51383814-C-T.
Other names: c.763G>A, p.Gly255Arg (NM_001163940.2); short protein forms G255R, G289R.
Identifiers: ClinVar variation 1475540 (VCV001475540.8), dbSNP rs2139174321, ClinGen allele CA389690586.
Genomic context (GRCh38, chr14:50,917,096, plus strand): 5'-TGATATCTTGCAAGGTTGCAGCCACCACAAAGTATTCCTGCTTCAATCTTAGCTCCTTCC[C>T]TTCAAAAAACTTCAAGCCAGAGAGATAGAATAAAAATGGTTCATATTGTAGGTGTGGCCA-3'
Protein context (NP_002854.3, residues 279-299): VLYPNDNFFE[Gly289Arg]KELRLKQEYF